The following is an entry in ClinVar:

ClinVar aggregate classification (germline): Uncertain significance (1 of 4 stars; one submission).

Allele frequency attached by ClinVar (database versions not stated): gnomAD exomes below 0.00001; gnomAD 0.00001.
gnomAD v4.1: 3 of 1,203,811 alleles (0.00025%); highest among the groups gnomAD compares: Non-Finnish European, 0.00034%; no homozygotes.

Submission:

Labcorp Genetics (formerly Invitae), Labcorp
Classification: Uncertain significance. Last evaluated: 2022-02-21. Review status: criteria provided, single submitter. Criteria: Invitae Variant Classification Sherloc (09022015). Collection method: clinical testing. Allele origin: germline.
Comment: This sequence change replaces proline, which is neutral and non-polar, with threonine, which is neutral and polar, at codon 671 of the COL4A5 protein (p.Pro671Thr). This variant is not present in population databases (gnomAD no frequency). This variant has not been reported in the literature in individuals affected with COL4A5-related conditions. Advanced modeling of protein sequence and biophysical properties (such as structural, functional, and spatial information, amino acid conservation, physicochemical variation, residue mobility, and thermodynamic stability) performed at Invitae indicates that this missense variant is not expected to disrupt COL4A5 protein function. In summary, the available evidence is currently insufficient to determine the role of this variant in disease. Therefore, it has been classified as a Variant of Uncertain Significance.

NM_033380.3(COL4A5):c.2011C>A (p.Pro671Thr)

Gene: COL4A5 (collagen type IV alpha 5 chain; plus strand). Cytogenetic location: Xq22.3.
Variant type: single nucleotide variant.
Coding change: c.2011C>A on transcript NM_033380.3 (MANE Select); coding-DNA position 2011, C replaced by A.
Protein change: p.Pro671Thr; replaces proline 671 with threonine.
Molecular consequence: missense variant.
Genome position (GRCh38, 1-based): chrX:108,601,455, C>A. VCF-style: chrX-108601455-C-A. GRCh37 (hg19) VCF-style: chrX-107844685-C-A.
Other names: c.2011C>A, p.Pro671Thr (NM_000495.5); short protein forms P671T.
Identifiers: ClinVar variation 2101127 (VCV002101127.1), dbSNP rs935507832, ClinGen allele CA413846821.